The following is an entry in ClinVar:

NM_000726.5(CACNB4):c.*5622C>T

Gene: CACNB4 (calcium voltage-gated channel auxiliary subunit beta 4; minus strand). Cytogenetic location: 2q23.3.
Variant type: single nucleotide variant.
Coding change: c.*5622C>T on transcript NM_000726.5 (MANE Select); 5622 bases downstream of the stop codon, C replaced by T.
Molecular consequence: 3 prime UTR variant.
Genome position (GRCh38, 1-based): chr2:151,833,497, G>A on the plus strand (C>T on the coding strand, the complement: CACNB4 is on the minus strand). VCF-style: chr2-151833497-G-A. GRCh37 (hg19) VCF-style: chr2-152690011-G-A.
Other names: c.*5622C>T (NM_001005746.4, NM_001005747.4, NM_001145798.3 and 7 more transcripts).
Identifiers: ClinVar variation 331553 (VCV000331553.6), dbSNP rs187012852, ClinGen allele CA10611365.

ClinVar aggregate classification (germline): Benign (1 of 4 stars; one submission).

Conditions:
Episodic ataxia type 5. Identifiers: Orphanet 211067, MedGen C1866039, MONDO:0013464, OMIM 613855.

Allele frequency attached by ClinVar (database versions not stated): gnomAD 0.00191 and 0.00219; TOPMed 0.00212; 1000 Genomes Project 30x 0.00219; 1000 Genomes Project 0.00240.

Submission:

Illumina Laboratory Services, Illumina
Classification: Benign for Episodic ataxia type 5. Last evaluated: 2018-01-12. Review status: criteria provided, single submitter. Criteria: ICSL Variant Classification Criteria 13 December 2019. Collection method: clinical testing. Allele origin: germline.
Comment: This variant was observed in the ICSL laboratory as part of a predisposition screen in an ostensibly healthy population. It had not been previously curated by ICSL or reported in the Human Gene Mutation Database (HGMD: prior to June 1st, 2018), and was therefore a candidate for classification through an automated scoring system. Utilizing variant allele frequency, disease prevalence and penetrance estimates, and inheritance mode, an automated score was calculated to assess if this variant is too frequent to cause the disease. Based on the score and internal cut-off values, a variant classified as benign is not then subjected to further curation. The score for this variant resulted in a classification of benign for this disease.